The following is an entry in ClinVar:

NM_001851.6(COL9A1):c.2006T>G (p.Val669Gly)

Gene: COL9A1 (collagen type IX alpha 1 chain; minus strand). Cytogenetic location: 6q13.
Variant type: single nucleotide variant.
Coding change: c.2006T>G on transcript NM_001851.6 (MANE Select); coding-DNA position 2006, T replaced by G.
Protein change: p.Val669Gly; replaces valine 669 with glycine.
Molecular consequence: missense variant. On other transcripts: non-coding transcript variant (1).
Genome position (GRCh38, 1-based): chr6:70,241,447, A>C on the plus strand (T>G on the coding strand, the complement: COL9A1 is on the minus strand). VCF-style: chr6-70241447-A-C. GRCh37 (hg19) VCF-style: chr6-70951150-A-C.
Other names: c.1307T>G, p.Val436Gly (NM_001377289.1); c.1277T>G, p.Val426Gly (NM_001377290.1, NM_078485.4); short protein forms V426G, V436G, V669G.
Identifiers: ClinVar variation 1018863 (VCV001018863.8), dbSNP rs1231559197, ClinGen allele CA364675153.

ClinVar aggregate classification (germline): Uncertain significance (1 of 4 stars; one submission).

Allele frequency attached by ClinVar (database versions not stated): gnomAD exomes below 0.00001; gnomAD 0.00001; TOPMed 0.00001.
gnomAD v4.1: 6 of 1,609,900 alleles (0.00037%); highest among the groups gnomAD compares: East Asian, 0.0067%; no homozygotes.

Submission:

Labcorp Genetics (formerly Invitae), Labcorp
Classification: Uncertain significance. Last evaluated: 2022-02-24. Review status: criteria provided, single submitter. Criteria: Invitae Variant Classification Sherloc (09022015). Collection method: clinical testing. Allele origin: germline.
Comment: This variant has not been reported in the literature in individuals affected with COL9A1-related conditions. In summary, the available evidence is currently insufficient to determine the role of this variant in disease. Therefore, it has been classified as a Variant of Uncertain Significance. Advanced modeling of protein sequence and biophysical properties (such as structural, functional, and spatial information, amino acid conservation, physicochemical variation, residue mobility, and thermodynamic stability) performed at Invitae indicates that this missense variant is not expected to disrupt COL9A1 protein function. ClinVar contains an entry for this variant (Variation ID: 1018863). This variant is present in population databases (no rsID available, gnomAD 0.007%). This sequence change replaces valine, which is neutral and non-polar, with glycine, which is neutral and non-polar, at codon 669 of the COL9A1 protein (p.Val669Gly).